The following is an entry in ClinVar:

NM_004863.4(SPTLC2):c.790G>A (p.Ala264Thr)

Gene: SPTLC2 (serine palmitoyltransferase long chain base subunit 2; minus strand). Cytogenetic location: 14q24.3.
Variant type: single nucleotide variant.
Coding change: c.790G>A on transcript NM_004863.4 (MANE Select); coding-DNA position 790, G replaced by A.
Protein change: p.Ala264Thr; replaces alanine 264 with threonine.
Molecular consequence: missense variant.
Genome position (GRCh38, 1-based): chr14:77,562,456, C>T on the plus strand (G>A on the coding strand, the complement: SPTLC2 is on the minus strand). VCF-style: chr14-77562456-C-T. GRCh37 (hg19) VCF-style: chr14-78028799-C-T.
Other names: short protein forms A264T.
Identifiers: ClinVar variation 1311055 (VCV001311055.4), dbSNP rs1235938820, ClinGen allele CA390710672.

ClinVar aggregate classification (germline): Uncertain significance. Review status: criteria provided, multiple submitters, no conflicts (2 of 4 stars). 2 submissions from 2 submitters: Uncertain significance (2). Last evaluated 2024-10-21.

Conditions:
Neuropathy, hereditary sensory and autonomic, type 1C. Also called: HSAN IC; HSN IC. Identifiers: Orphanet 36386, MedGen C3150896, MONDO:0013337, OMIM 613640.

Allele frequency attached by ClinVar (database versions not stated): gnomAD 0.00001.
gnomAD v4.1: 1 of 1,613,978 alleles (0.000062%); highest among the groups gnomAD compares: Admixed American, 0.0017%; no homozygotes.

Submissions (2):

Labcorp Genetics (formerly Invitae), Labcorp
Classification: Uncertain significance for Neuropathy, hereditary sensory and autonomic, type 1C. Last evaluated: 2024-10-21. Review status: criteria provided, single submitter. Criteria: Invitae Variant Classification Sherloc (09022015). Collection method: clinical testing. Allele origin: germline.
Comment: This sequence change replaces alanine, which is neutral and non-polar, with threonine, which is neutral and polar, at codon 264 of the SPTLC2 protein (p.Ala264Thr). This variant is present in population databases (no rsID available, gnomAD 0.1%). This variant has not been reported in the literature in individuals affected with SPTLC2-related conditions. ClinVar contains an entry for this variant (Variation ID: 1311055). Invitae Evidence Modeling of protein sequence and biophysical properties (such as structural, functional, and spatial information, amino acid conservation, physicochemical variation, residue mobility, and thermodynamic stability) indicates that this missense variant is not expected to disrupt SPTLC2 protein function with a negative predictive value of 95%. In summary, the available evidence is currently insufficient to determine the role of this variant in disease. Therefore, it has been classified as a Variant of Uncertain Significance.

GeneDx
Classification: Uncertain significance. Last evaluated: 2019-09-06. Review status: criteria provided, single submitter. Criteria: GeneDx Variant Classification Process June 2021. Collection method: clinical testing. Allele origin: germline. Affected: yes.
Comment: Not observed at a significant frequency in large population cohorts (Lek et al., 2016); In silico analysis, which includes protein predictors and evolutionary conservation, supports that this variant does not alter protein structure/function; Has not been previously published as pathogenic or benign to our knowledge